The following is an entry in ClinVar:

NM_001165963.4(SCN1A):c.144C>A (p.Gly48=)

Gene: SCN1A (sodium voltage-gated channel alpha subunit 1; minus strand). Cytogenetic location: 2q24.3.
Variant type: single nucleotide variant.
Coding change: c.144C>A on transcript NM_001165963.4 (MANE Select); coding-DNA position 144, C replaced by A.
Protein change: p.Gly48=; no amino-acid change (glycine 48 retained).
Molecular consequence: synonymous variant. On other transcripts: 5 prime UTR variant (1), non-coding transcript variant (1).
Genome position (GRCh38, 1-based): chr2:166,073,478, G>T on the plus strand (C>A on the coding strand, the complement: SCN1A is on the minus strand). VCF-style: chr2-166073478-G-T. GRCh37 (hg19) VCF-style: chr2-166929988-G-T.
Other names: c.144C>A, p.Gly48= (NM_001165964.3, NM_001202435.3, NM_001353948.2 and 10 more transcripts); c.-2282C>A (NM_001353961.2).
Identifiers: ClinVar variation 386391 (VCV000386391.5), dbSNP rs886043534, ClinGen allele CA16603951.

ClinVar aggregate classification (germline): Likely benign. Review status: criteria provided, multiple submitters, no conflicts (2 of 4 stars). 2 submissions from 2 submitters: Likely benign (2). Last evaluated 2023-06-14.

Conditions:
Early-infantile DEE. Also called: Ohtahara syndrome; Early infantile epileptic encephalopathy; Early infantile epileptic encephalopathy with suppression bursts. Identifiers: Orphanet 1934, MedGen C0393706, MONDO:0800491.

gnomAD v4.1: 1 of 1,614,140 alleles (0.000062%); highest among the groups gnomAD compares: Admixed American, 0.0017%; no homozygotes.

Submissions (2):

Labcorp Genetics (formerly Invitae), Labcorp
Classification: Likely benign for Early-infantile DEE. Last evaluated: 2023-06-14. Review status: criteria provided, single submitter. Criteria: Invitae Variant Classification Sherloc (09022015). Collection method: clinical testing. Allele origin: germline.

GeneDx
Classification: Likely benign. Last evaluated: 2016-05-24. Review status: criteria provided, single submitter. Criteria: GeneDx Variant Classification (06012015). Collection method: clinical testing. Allele origin: germline. Affected: yes.
Comment: This variant is considered likely benign or benign based on one or more of the following criteria: it is a conservative change, it occurs at a poorly conserved position in the protein, it is predicted to be benign by multiple in silico algorithms, and/or has population frequency not consistent with disease.